The following is an entry in ClinVar:

NM_000090.4(COL3A1):c.2742T>C (p.Pro914=)

Gene: COL3A1 (collagen type III alpha 1 chain; plus strand). Cytogenetic location: 2q32.2.
Variant type: single nucleotide variant.
Coding change: c.2742T>C on transcript NM_000090.4 (MANE Select); coding-DNA position 2742, T replaced by C.
Protein change: p.Pro914=; no amino-acid change (proline 914 retained).
Molecular consequence: synonymous variant.
Genome position (GRCh38, 1-based): chr2:189,004,062, T>C. VCF-style: chr2-189004062-T-C. GRCh37 (hg19) VCF-style: chr2-189868788-T-C.
Identifiers: ClinVar variation 3071419 (VCV003071419.1), dbSNP rs1241768179, ClinGen allele CA430311981.

ClinVar aggregate classification (germline): Likely benign (1 of 4 stars; one submission).

Conditions:
Ehlers-Danlos syndrome, type 4 (EDSVASC). Also called: Ehlers-Danlos Syndrome Type IV; Ehlers-Danlos syndrome vascular type; Ehlers Danlos syndrome, ecchymotic type; Ehlers Danlos syndrome, arterial type; Ehlers Danlos syndrome, Sack-Barabas type. Identifiers: Orphanet 286, MedGen C0268338, MONDO:0017314, OMIM 130050.

Allele frequency attached by ClinVar (database versions not stated): gnomAD 0.00001.
gnomAD v4.1: 1 of 1,613,200 alleles (0.000062%); highest among the groups gnomAD compares: Non-Finnish European, 0.000085%; no homozygotes.

Submission:

All of Us Research Program, National Institutes of Health
Classification: Likely benign for Ehlers-Danlos syndrome, type 4. Last evaluated: 2023-05-30. Review status: criteria provided, single submitter. Criteria: ACMG Guidelines, 2015. Collection method: clinical testing. Allele origin: germline. Inheritance: Autosomal dominant inheritance. Observed: 1 variant allele, 1 heterozygote.
Comment: This study involves interpretation of variants in research participants for the purpose of population health screening. Participant phenotype was not available at the time of variant classification. Additional details can be found in publication PMID: 35346344, PMCID: PMC8962531